The following is an entry in ClinVar:

NM_000130.5(F5):c.3804T>C (p.Ser1268=)

Gene: F5 (coagulation factor V; minus strand). Cytogenetic location: 1q24.2.
Variant type: single nucleotide variant.
Coding change: c.3804T>C on transcript NM_000130.5 (MANE Select); coding-DNA position 3804, T replaced by C.
Protein change: p.Ser1268=; no amino-acid change (serine 1268 retained).
Molecular consequence: synonymous variant.
Genome position (GRCh38, 1-based): chr1:169,541,286, A>G on the plus strand (T>C on the coding strand, the complement: F5 is on the minus strand). VCF-style: chr1-169541286-A-G. GRCh37 (hg19) VCF-style: chr1-169510524-A-G.
Other names: p.Ser1268=.
Identifiers: ClinVar variation 255204 (VCV000255204.19), dbSNP rs1800594, ClinGen allele CA1233825.

ClinVar aggregate classification (germline): Benign/Likely benign. Review status: criteria provided, multiple submitters, no conflicts (2 of 4 stars). 10 submissions from 8 submitters: Benign (7); Likely benign (1). 2 of the submissions do not count toward it. Last evaluated 2026-02-04.

Conditions:
Thrombophilia due to thrombin defect (THPH1). Also called: Thrombosis susceptibility; THROMBOPHILIA DUE TO FACTOR 2 DEFECT; Prothrombin-Related Thrombophilia (Factor II); Prothrombin Thrombophilia. Identifiers: MedGen C3160733, MONDO:0008559, OMIM 188050. Disease mechanism: gain of function, loss of function.
Congenital factor V deficiency. Also called: LABILE FACTOR DEFICIENCY; OWREN PARAHEMOPHILIA; PARAHEMOPHILIA; Hereditary factor V deficiency disease. Identifiers: Orphanet 326, MedGen C0015499, MONDO:0009210, OMIM 227400.
Budd-Chiari syndrome (BDCHS). Also called: Hepatic vein obstruction. Identifiers: Orphanet 131, MedGen C0856761, MONDO:0010947, OMIM 600880, HP:0002639.
Factor V deficiency. Also called: Reduced coagulation factor V activity. Identifiers: Orphanet 326, MedGen C4317320, MONDO:0020586, HP:0003225.

Allele frequency attached by ClinVar (database versions not stated): ESP Exome Variant Server 0.28214; 1000 Genomes Project 30x 0.30403; 1000 Genomes Project 0.30950; ExAC 0.31083; gnomAD 0.33303 and 0.33944; gnomAD exomes 0.33381 and 0.34340.
gnomAD v4.1: 528,132 of 1,581,322 alleles (33%); highest among the groups gnomAD compares: Admixed American, 50%; 90,328 homozygotes.

Submissions (10):

Labcorp Genetics (formerly Invitae), Labcorp
Classification: Benign for Congenital factor V deficiency. Last evaluated: 2026-02-04. Review status: criteria provided, single submitter. Criteria: Invitae Variant Classification Sherloc (09022015). Collection method: clinical testing. Allele origin: germline.

GeneDx
Classification: Benign. Last evaluated: 2018-11-11. Review status: criteria provided, single submitter. Criteria: GeneDx Variant Classification Process June 2021. Collection method: clinical testing. Allele origin: germline. Affected: yes.

Illumina Laboratory Services, Illumina
Classification: Benign for Venous thrombosis. Last evaluated: 2018-01-13. Review status: criteria provided, single submitter. Criteria: ICSL Variant Classification Criteria 13 December 2019. Collection method: clinical testing. Allele origin: germline.
Comment: This variant was observed in the ICSL laboratory as part of a predisposition screen in an ostensibly healthy population. It had not been previously curated by ICSL or reported in the Human Gene Mutation Database (HGMD: prior to June 1st, 2018), and was therefore a candidate for classification through an automated scoring system. Utilizing variant allele frequency, disease prevalence and penetrance estimates, and inheritance mode, an automated score was calculated to assess if this variant is too frequent to cause the disease. Based on the score and internal cut-off values, a variant classified as benign is not then subjected to further curation. The score for this variant resulted in a classification of benign for this disease.

Illumina Laboratory Services, Illumina
Classification: Benign for Congenital factor V deficiency. Last evaluated: 2018-01-13. Review status: criteria provided, single submitter. Criteria: ICSL Variant Classification Criteria 13 December 2019. Collection method: clinical testing. Allele origin: germline.
Comment: the same text as in the submission from Illumina Laboratory Services, Illumina above.

Illumina Laboratory Services, Illumina
Classification: Benign for Budd-Chiari syndrome. Last evaluated: 2018-01-13. Review status: criteria provided, single submitter. Criteria: ICSL Variant Classification Criteria 13 December 2019. Collection method: clinical testing. Allele origin: germline.
Comment: the same text as in the submission from Illumina Laboratory Services, Illumina above.

Mayo Clinic Laboratories, Mayo Clinic
Classification: Benign. Last evaluated: 2016-05-25. Review status: criteria provided, single submitter. Criteria: ACMG Guidelines, 2015. Collection method: clinical testing. Allele origin: germline. Observed: 126 variant alleles.

Breakthrough Genomics
Classification: Likely benign. Review status: criteria provided, single submitter. Criteria: ACMG Guidelines, 2015. Collection method: not provided. Allele origin: germline. Inheritance: Autosomal recessive inheritance. Affected: yes.

PreventionGenetics, part of Exact Sciences
Classification: Benign. Review status: criteria provided, single submitter. Criteria: ACMG Guidelines, 2015. Collection method: clinical testing. Allele origin: germline.

Diagnostic Laboratory, Department of Genetics, University Medical Center Groningen
Classification: Benign. Review status: no assertion criteria provided. Collection method: clinical testing. Allele origin: germline. Affected: yes. Study: VKGL Data-share Consensus. Not counted in ClinVar's aggregate classification.

Joint Genome Diagnostic Labs from Nijmegen and Maastricht, Radboudumc and MUMC+
Classification: Benign. Review status: no assertion criteria provided. Collection method: clinical testing. Allele origin: germline. Affected: yes. Study: VKGL Data-share Consensus. Not counted in ClinVar's aggregate classification.